The following is an entry in ClinVar:

ClinVar aggregate classification (germline): Uncertain significance (1 of 4 stars; one submission).

Submission:

Athena Diagnostics
Classification: Uncertain significance. Last evaluated: 2021-07-21. Review status: criteria provided, single submitter. Criteria: Athena Diagnostics Criteria. Collection method: clinical testing. Allele origin: unknown.
Comment: This observation is not an independent occurrence and has been identified in the same individual by RCIGM, the other laboratory participating in the GEMINI study.

NM_000466.3(PEX1):c.3050T>C (p.Leu1017Ser)

Genes: GATAD1 (GATA zinc finger domain containing 1; plus strand), PEX1 (peroxisomal biogenesis factor 1; minus strand). Cytogenetic location: 7q21.2.
Variant type: single nucleotide variant.
Coding change: c.3050T>C on transcript NM_000466.3 (MANE Select); coding-DNA position 3050, T replaced by C.
Protein change: p.Leu1017Ser; replaces leucine 1017 with serine.
Molecular consequence: missense variant.
Genome position (GRCh38, 1-based): chr7:92,493,110, A>G on the plus strand (T>C on the coding strand, the complement: PEX1 is on the minus strand). VCF-style: chr7-92493110-A-G. GRCh37 (hg19) VCF-style: chr7-92122424-A-G.
Other names: c.2879T>C, p.Leu960Ser (NM_001282677.2); c.2426T>C, p.Leu809Ser (NM_001282678.2); short protein forms L1017S, L809S, L960S.
Identifiers: ClinVar variation 1809722 (VCV001809722.1), dbSNP rs2484629435, ClinGen allele CA368167030.